The following is an entry in ClinVar:

NM_000441.2(SLC26A4):c.845G>A (p.Cys282Tyr)

Gene: SLC26A4 (solute carrier family 26 member 4; plus strand). Cytogenetic location: 7q22.3.
Variant type: single nucleotide variant.
Coding change: c.845G>A on transcript NM_000441.2 (MANE Select); coding-DNA position 845, G replaced by A.
Protein change: p.Cys282Tyr; replaces cysteine 282 with tyrosine.
Molecular consequence: missense variant.
Genome position (GRCh38, 1-based): chr7:107,683,281, G>A. VCF-style: chr7-107683281-G-A. GRCh37 (hg19) VCF-style: chr7-107323726-G-A.
Other names: short protein forms C282Y.
Identifiers: ClinVar variation 43568 (VCV000043568.26), dbSNP rs111033454, ClinGen allele CA261440.
Genomic context (GRCh38, chr7:107,683,281, plus strand): 5'-AAAATATTGGTGATACCAATCTTGCTGATTTCACTGCTGGATTGCTCACCATTGTCGTCT[G>A]TATGGCAGTTAAGGAATTAAATGATCGGTTTAGACACAAAATCCCAGTCCCTATTCCTAT-3'
Protein context (NP_000432.1, residues 272-292): FTAGLLTIVV[Cys282Tyr]MAVKELNDRF

ClinVar aggregate classification (germline): Likely pathogenic. Review status: reviewed by expert panel (3 of 4 stars). 10 submissions from 10 submitters: Likely pathogenic (1). 9 of the submissions do not count toward it. Last evaluated 2023-01-24.

Conditions:
Rare genetic deafness. Identifiers: Orphanet 96210, MedGen C5680250.
Pendred syndrome (PDS). Also called: DEAFNESS WITH GOITER; Pendred's syndrome; Pendred Syndrome (PDS); GOITER-DEAFNESS SYNDROME; HYPOTHYROIDISM, CONGENITAL, DUE TO DYSHORMONOGENESIS, 2B; THYROID DYSHORMONOGENESIS 2B. Identifiers: Orphanet 705, MedGen C0271829, MONDO:0010134, OMIM 274600.
Autosomal recessive nonsyndromic hearing loss 4 (DFNB4). Also called: Deafness, autosomal recessive 4, with enlarged vestibular aqueduct; FOXI1-Related Pendred Syndrome; KCNJ10-Related Pendred Syndrome; Deafness, autosomal recessive 4; NEUROSENSORY NONSYNDROMIC RECESSIVE DEAFNESS 4; Nonsyndromic enlarged vestibular aqueduct (NSEVA). Identifiers: Orphanet 90636, MedGen C3538946, MONDO:0010933, OMIM 600791.

Allele frequency attached by ClinVar (database versions not stated): ExAC 0.00002; TOPMed 0.00004; gnomAD 0.00002 and 0.00001; 1000 Genomes Project 30x 0.00016; gnomAD exomes 0.00002; 1000 Genomes Project 0.00020; ESP Exome Variant Server 0.00008.

Submissions (10):

ClinGen Hearing Loss Variant Curation Expert Panel
Classification: Likely pathogenic for Pendred syndrome. Last evaluated: 2023-01-24. Review status: reviewed by expert panel. Criteria: Clingen Hl Acmg Specifications Cdh23 Coch Gjb2 Kcnq4 Myo6 Myo7a Slc26a4 Tecta Ush2a V2. Collection method: curation. Allele origin: germline. Inheritance: Autosomal recessive inheritance.
Comment: The c.845G>A (NM_000441.2) variant in SLC26A4 is a missense variant predicted to cause substitution of cysteine by tyrosine at amino acid 282 (p.Cys282Tyr). The highest population minor allele frequency in gnomAD v.2.1.1 is 0.000053 (6/113490 alleles) in the European non-Finnish population, which is lower than the ClinGen Hearing Loss threshold (<0.0007) for PM2_Supporting, meeting this criterion (PM2_Supporting). The computational predictor REVEL gives a score of 0.719 which is above the threshold of 0.7, evidence that correlates with impact to SLC26A4 function (PP3). This variant has been detected in at least 4 individuals with hearing loss. Of those individuals, three were compound heterozygous for the variant and a pathogenic variant observed in trans and one had a rare VUS variant on other allele (c.1001+1G>A, c.233A > G, 3.25 PM3 points, PMID:26969326,33152970, SCV000060163.6, SCV000343642.4) (PM3_Strong). At least one proband with this variant displayed features of sensorineural hearing loss and enlarged vestibular aqueduct, a phenotype highly specific for Pendred syndrome (PP4, PMID:26969326,33152970, SCV000060163.6). Functional studies including fluorescence assays have demonstrated that this variant impacts protein function (PS3_Supporting; PMID:26752218). In summary, this variant meets the criteria to be classified as likely pathogenic for autosomal recessive Pendred syndrome based on the ACMG/AMP criteria applied as specified by the Hearing Loss VCEP: PM2_Supporting, PP3, PM3_Strong, PP4, PS3_Supporting. (ClinGen Hearing Loss VCEP specifications version 2; 1/18/2023).

Labcorp Genetics (formerly Invitae), Labcorp
Classification: Pathogenic. Last evaluated: 2026-01-26. Review status: criteria provided, single submitter. Criteria: Invitae Variant Classification Sherloc (09022015). Collection method: clinical testing. Allele origin: germline. Not counted in ClinVar's aggregate classification.
Comment: This sequence change replaces cysteine, which is neutral and slightly polar, with tyrosine, which is neutral and polar, at codon 282 of the SLC26A4 protein (p.Cys282Tyr). This variant is present in population databases (rs111033454, gnomAD 0.004%). This missense change has been observed in individual(s) with clinical features of SLC26A4-related conditions (PMID: 26969326, 33152970; internal data). In at least one individual the data is consistent with being in trans (on the opposite chromosome) from a pathogenic variant. ClinVar contains an entry for this variant (Variation ID: 43568). Invitae Evidence Modeling of protein sequence and biophysical properties (such as structural, functional, and spatial information, amino acid conservation, physicochemical variation, residue mobility, and thermodynamic stability) indicates that this missense variant is expected to disrupt SLC26A4 protein function with a positive predictive value of 80%. Experimental studies have shown that this missense change affects SLC26A4 function (PMID: 26752218). For these reasons, this variant has been classified as Pathogenic.

Natera, Inc.
Classification: Likely pathogenic for Pendred syndrome. Last evaluated: 2025-04-24. Review status: criteria provided, single submitter. Criteria: Natera Variant Classification Schema (03/2026). Collection method: clinical testing. Allele origin: germline. Not counted in ClinVar's aggregate classification.
Comment: The c.845G>A variant in SLC26A4 is a missense variant predicted to cause substitution of cysteine to tyrosine at amino acid 282. This variant is rare in the general population with a frequency below the threshold expected for the associated phenotype(s). This variant has been observed in one or more individuals affected with the associated recessive disease, as either homozygous or compound heterozygous with a second variant (PMID: 26969326, 33152970, 36833263). Functional studies show that this variant may disrupt protein function (PMID: 26752218). Computational prediction algorithms indicate this variant is likely to affect gene or protein function. Given the available evidence, this variant is classified as Likely Pathogenic.

Myriad Genetics, Inc.
Classification: Likely pathogenic for Pendred syndrome. Last evaluated: 2025-04-04. Review status: criteria provided, single submitter. Criteria: Myriad Autosomal Dominant, Autosomal Recessive and X-Linked Classification Criteria (2023). Collection method: clinical testing. Allele origin: unknown. Not counted in ClinVar's aggregate classification.
Comment: NM_000441.1(SLC26A4):c.845G>A(C282Y) is a missense variant classified as likely pathogenic in the context of Pendred syndrome. C282Y has been observed in cases with relevant disease (PMID: 26969236, 3960668, 33152970, 26752218, 36833263). Relevant functional assessments of this variant are available in the literature (PMID: 26752218). C282Y has been observed in referenced population frequency databases. . Please note: this variant was assessed in the context of healthy population screening.

Baylor Genetics
Classification: Likely pathogenic for Autosomal recessive nonsyndromic hearing loss 4. Last evaluated: 2024-03-25. Review status: criteria provided, single submitter. Criteria: ACMG Guidelines, 2015. Collection method: clinical testing. Allele origin: unknown. Not counted in ClinVar's aggregate classification.

GeneDx
Classification: Likely pathogenic. Last evaluated: 2023-03-21. Review status: criteria provided, single submitter. Criteria: GeneDx Variant Classification Process June 2021. Collection method: clinical testing. Allele origin: germline. Affected: yes. Not counted in ClinVar's aggregate classification.
Comment: Published functional studies demonstrate a reduction in activity in transfected cells compared to wild type (De Moraes et al., 2016).; Reported in individuals with hearing loss who also harbored additional hearing loss associated variants (Sloan-Heggen et al., 2016; De Moraes et al., 2016; Kinglu et al., 2020; Baldyga et al., 2023); Not observed at significant frequency in large population cohorts (gnomAD); In silico analysis supports that this missense variant has a deleterious effect on protein structure/function; This variant is associated with the following publications: (PMID: 26752218, 36833263, 22995429, 26969326, 33152970)

Laboratory for Molecular Medicine, Mass General Brigham Personalized Medicine
Classification: Likely pathogenic for Rare genetic deafness. Last evaluated: 2022-06-30. Review status: criteria provided, single submitter. Criteria: ACMG Guidelines, 2015. Collection method: clinical testing. Allele origin: germline. Not counted in ClinVar's aggregate classification.
Comment: The p.Cys282Tyr variant in SLC26A4 has been identified in 5 individuals with hearing loss, two of which had EVA and carried a second, pathogenic SLC26A4 variant (Sloan-Heggen 2016 PMID: 26969326, De Moraes 2016 PMID: 26752218, Kinoglu 2020 PMID: 33152970, LMM data). It has also been identified in 0.004% (3/68020) of European chromosomes by gnomAD, v. 3. Although this variant has been seen in the general population, its frequency is low enough to be consistent with a recessive carrier frequency. This variant was classified as Likely Pathogenic on Feb 19, 2020 by the ClinGen-approved Hearing Loss Variant Curation expert panel (Variation ID 43568). Computational prediction tools and conservation analysis suggest that this variant may impact the protein, though this information is not predictive enough to determine pathogenicity. In vitro functional studies provide some evidence that this variant reduces function of the pendrin protein, however retains transport activity (de Moraes 2016 PMID: 26752218); however, these types of assays may not accurately represent biological function. In summary, due to its identification in combination with a reported pathogenic variant in an individual with hearing loss and EVA, the p.Cys282Tyr variant is likely pathogenic; however, additional studies are required to fully establish its clinical significance. In summary, although additional studies are required to fully establish its clinical significance, this variant meets criteria to be classified as likely pathogenic for autosomal recessive Pendred syndrome. ACMG/AMP Criteria applied: PM3_Strong, PP3, PM2_P, PS3_Supporting.

Fulgent Genetics
Classification: Likely pathogenic for Pendred syndrome; Autosomal recessive nonsyndromic hearing loss 4. Last evaluated: 2021-10-08. Review status: criteria provided, single submitter. Criteria: ACMG Guidelines, 2015. Collection method: clinical testing. Allele origin: unknown. Not counted in ClinVar's aggregate classification.

Eurofins Ntd Llc (ga)
Classification: Uncertain significance. Last evaluated: 2016-08-30. Review status: criteria provided, single submitter. Criteria: EGL Classification Definitions 2015. Collection method: clinical testing. Allele origin: germline. Observed: 2 variant alleles, 2 heterozygotes. Not counted in ClinVar's aggregate classification.

Kariminejad - Najmabadi Pathology & Genetics Center
Classification: Likely pathogenic for Pendred syndrome. Review status: criteria provided, single submitter. Criteria: ACMG Guidelines, 2015. Collection method: clinical testing. Allele origin: germline. Affected: no. Not counted in ClinVar's aggregate classification.

Literature cited by the submitters: PubMed 26969326 (cited by 3 submitters); PubMed 33152970 (cited by 3 submitters); PubMed 26752218 (cited by 3 submitters); PubMed 36833263 (cited by Natera, Inc. and Myriad Genetics, Inc.); PubMed 26969236 (cited by Myriad Genetics, Inc.); PubMed 3960668 (cited by Myriad Genetics, Inc.).